The following is an entry in ClinVar:

NM_001039591.3(USP9X):c.6916del (p.Cys2306fs)

Gene: USP9X (ubiquitin specific peptidase 9 X-linked; plus strand). Cytogenetic location: Xp11.4.
Variant type: Deletion.
Coding change: c.6916del on transcript NM_001039591.3 (MANE Select); coding-DNA position 6916, one base deleted (T; older notation c.6916delT).
Protein change: p.Cys2306fs; shifts the reading frame from cysteine 2306.
Molecular consequence: frameshift variant.
Genome position (GRCh38, 1-based): chrX:41,224,906, T deleted; the last of 5 consecutive T bases (chrX:41,224,902-41,224,906); deleting any one gives the same sequence. VCF-style (leftmost placement, unchanged base first): chrX-41224901-GT-G. GRCh37 (hg19) VCF-style: chrX-41084154-GT-G.
Other names: c.6931del, p.Cys2311fs (NM_001410748.1, NM_001410749.1); c.6916del, p.Cys2306fs (NM_001039590.3); short protein forms C2306fs, C2311fs.
Identifiers: ClinVar variation 3899262 (VCV003899262.1).
Genomic context (GRCh38, chrX:41,224,901, plus strand): 5'-GTTATGTGAAGAAAATCATTGAAGACTGCAGTAATTCAGAGGAAACCGTCAAATTGCTTC[GT>G]TTTTGCTGCTGGGAGAATCCTCAGTTCTCATCTACTGTCCTCAGTGAACTTCTCTGGCAG-3'

ClinVar aggregate classification (germline): Pathogenic (1 of 4 stars; one submission).

Conditions:
USP9X-related disorder. Also called: USP9X-related condition.

Submission:

Rady Children's Institute for Genomic Medicine, Rady Children's Hospital San Diego
Classification: Pathogenic for USP9X-related disorders. Last evaluated: 2024-08-19. Review status: criteria provided, single submitter. Criteria: ACMG Guidelines, 2015. Collection method: clinical testing. Allele origin: germline. Affected: yes.
Comment: Variants were found in the cis configuration (on the same chromosomal allele), forming a complex variant noted as c.[6916del; 6923_6929del] (p.[Cys2306AlafsTer40; Trp2308Phefs*36]). This frameshifting complex variant in exon 40 of 45 is predicted to result in loss of normal protein function through either protein truncation or nonsense-mediated mRNA decay. The USP9X gene is constrained against variation (Z-score= 6.41 and pLI = 1), and loss-of-function variants have been reported in individuals with X-linked USP9X-related disorders (PMID: 26833328, 31443933). This complex variant has not been previously reported or functionally characterized in the literature to our knowledge. The c.[6916del; 6923_6929del] (p.[Cys2306AlafsTer40; Trp2308Phefs*36]) variant is absent from the gnomAD v4 population database and thus is presumed to be rare. Analysis of the parental samples was negative for the variant, indicating this variant likely occurred as a de novo event. Based on the available evidence, c.[6916del; 6923_6929del] (p.[Cys2306AlafsTer40; Trp2308Phefs*36]) is classified as Pathogenic. <b>Gene Information: </b> The USP9X gene is located on chromosome Xp11.4 and encodes Ubiquitin Specific Peptidase 9, which is involved in protein turnover and TGF-beta signaling during fetal and neuronal development including processes of neuronal migrations (PMID: 37064340, 36680497). <b>Disease Association(s): </b> X-linked USP9X-related disorders (MIM: #300919, #300968) <b>Disease Summary: </b> - USP9X-related disorders are neurodevelopmental disorders characterized by developmental delay and intellectual disability (PMID: 26833328, 24607389). - Additional reported features in females include characteristic facial features, hypotonia, short stature, structural brain abnormalities (hypoplasia/agenesis of the corpus callosum, widened ventricles, white matter disturbances, cerebellar hypoplasia, and periventricular heterotopia), and distinct congenital malformations affecting the eyes, teeth, digits, spine, or anus (PMID: 26833328, 36680497). - Affected males have a clinical presentation that significantly overlaps with that of affected females, and may also include behavioral abnormalities; but congenital malformations are reported to be rare or absent in males (PMID: 24607389, 31443933, 37064340). - Pathogenic USP9X variants show variable expressivity, incomplete penetrance, are often found in the de novo state; however, inheritance from an unaffected mother has been described (PMID: 35253988, 26833328, 24607389). - Additionally, pathogenic USP9X variants have been reported to escape X-chromosome inactivation thus causing severe symptoms in heterozygous females (PMID: 31443933, 26833328). - The pathogenic USP9X variants in affected females are predominantly complete loss-of-function alleles leading to haploinsufficiency; whereas, the majority of the reported variants in males are missense variants with partial loss of function (PMID: 31443933, 37064340).